The following is an entry in ClinVar:

NM_212482.4(FN1):c.4253-16_4253-15delinsTG

Gene: FN1 (fibronectin 1; minus strand). Cytogenetic location: 2q35.
Variant type: Indel.
Coding change: c.4253-16_4253-15delinsTG on transcript NM_212482.4 (MANE Select); 16 bases into the intron before coding-DNA position 4253 through 15 bases into the intron before coding-DNA position 4253, CC replaced by TG.
Molecular consequence: intron variant.
Genome position (GRCh38, 1-based): chr2:215,388,316-215,388,317, GG replaced by CA on the plus strand (CC replaced by TG on the coding strand, the reverse complement: FN1 is on the minus strand). VCF-style: chr2-215388316-GG-CA. GRCh37 (hg19) VCF-style: chr2-216253039-GG-CA.
Other names: c.3980-16_3980-15delinsTG (NM_212474.3, NM_001306132.2, NM_001365523.2 and 7 more transcripts); c.4253-16_4253-15delinsTG (NM_001306130.2, NM_001365522.2, NM_001365519.2 and 3 more transcripts).
Identifiers: ClinVar variation 3688406 (VCV003688406.2).

ClinVar aggregate classification (germline): Uncertain significance (1 of 4 stars; one submission).

Submission:

Labcorp Genetics (formerly Invitae), Labcorp
Classification: Uncertain significance. Last evaluated: 2024-02-01. Review status: criteria provided, single submitter. Criteria: Invitae Variant Classification Sherloc (09022015). Collection method: clinical testing. Allele origin: germline.
Comment: This sequence change falls in intron 26 of the FN1 gene. It does not directly change the encoded amino acid sequence of the FN1 protein. Information on the frequency of this variant in the gnomAD database is not available, as this variant may be reported differently in the database. This variant has not been reported in the literature in individuals affected with FN1-related conditions. Experimental studies and prediction algorithms are not available or were not evaluated, and the effect of this variant on mRNA splicing is currently unknown. In summary, the available evidence is currently insufficient to determine the role of this variant in disease. Therefore, it has been classified as a Variant of Uncertain Significance.